The following is an entry in ClinVar:

ClinVar aggregate classification (germline): Uncertain significance (1 of 4 stars; one submission).

Conditions:
Inborn genetic diseases. Identifiers: MedGen C0950123, MeSH D030342.

Submission:

Ambry Genetics
Classification: Uncertain significance for Inborn genetic diseases. Last evaluated: 2026-07-20. Review status: criteria provided, single submitter. Criteria: Ambry Variant Classification Scheme 2023. Collection method: clinical testing. Allele origin: germline.
Comment: The p.K366R variant (also known as c.1097A>G), located in coding exon 10 of the DDX41 gene, results from an A to G substitution at nucleotide position 1097. The lysine at codon 366 is replaced by arginine, an amino acid with highly similar properties. This amino acid position is highly conserved in available vertebrate species. In addition, this alteration is predicted to be tolerated by in silico analysis. Based on the available evidence, the clinical significance of this variant remains unclear.

NM_016222.4(DDX41):c.1097A>G (p.Lys366Arg)

Gene: DDX41 (DEAD-box helicase 41; minus strand). Cytogenetic location: 5q35.3.
Variant type: single nucleotide variant.
Coding change: c.1097A>G on transcript NM_016222.4 (MANE Select); coding-DNA position 1097, A replaced by G.
Protein change: p.Lys366Arg; replaces lysine 366 with arginine.
Molecular consequence: missense variant.
Genome position (GRCh38, 1-based): chr5:177,513,686, T>C on the plus strand (A>G on the coding strand, the complement: DDX41 is on the minus strand). VCF-style: chr5-177513686-T-C. GRCh37 (hg19) VCF-style: chr5-176940687-T-C.
Other names: c.719A>G, p.Lys240Arg (NM_001321732.2, NM_001321830.2); short protein forms K240R, K366R.
Identifiers: ClinVar variation 5035148 (VCV005035148.1).